The following is an entry in ClinVar:

NM_006231.4(POLE):c.537G>T (p.Glu179Asp)

Gene: POLE (DNA polymerase epsilon, catalytic subunit; minus strand). Cytogenetic location: 12q24.33.
Variant type: single nucleotide variant.
Coding change: c.537G>T on transcript NM_006231.4 (MANE Select); coding-DNA position 537, G replaced by T.
Protein change: p.Glu179Asp; replaces glutamic acid 179 with aspartic acid.
Molecular consequence: missense variant.
Genome position (GRCh38, 1-based): chr12:132,679,538, C>A on the plus strand (G>T on the coding strand, the complement: POLE is on the minus strand). VCF-style: chr12-132679538-C-A. GRCh37 (hg19) VCF-style: chr12-133256124-C-A.
Other names: short protein forms E179D.
Identifiers: ClinVar variation 3654750 (VCV003654750.2).
Genomic context (GRCh38, chr12:132,679,538, plus strand): 5'-TCACAAGACCAAAGTTTACCTGGAAAGCAGAGCTGTGTACGCGTCGCTGGCGTGATCCTG[C>A]TCCCTGTTCTTCTTCACGGCAGGGGAGATCTCCTTCCTCACTTTGACAAGATCCTCCACA-3'
Protein context (NP_006222.2, residues 169-189): EISPAVKKNR[Glu179Asp]QDHASDAYTA

ClinVar aggregate classification (germline): Uncertain significance (1 of 4 stars; one submission).

Submission:

Labcorp Genetics (formerly Invitae), Labcorp
Classification: Uncertain significance. Last evaluated: 2024-05-27. Review status: criteria provided, single submitter. Criteria: Invitae Variant Classification Sherloc (09022015). Collection method: clinical testing. Allele origin: germline.
Comment: This sequence change replaces glutamic acid, which is acidic and polar, with aspartic acid, which is acidic and polar, at codon 179 of the POLE protein (p.Glu179Asp). This variant is not present in population databases (gnomAD no frequency). This variant has not been reported in the literature in individuals affected with POLE-related conditions. Advanced modeling of protein sequence and biophysical properties (such as structural, functional, and spatial information, amino acid conservation, physicochemical variation, residue mobility, and thermodynamic stability) performed at Invitae indicates that this missense variant is not expected to disrupt POLE protein function with a negative predictive value of 80%. In summary, the available evidence is currently insufficient to determine the role of this variant in disease. Therefore, it has been classified as a Variant of Uncertain Significance.